The following is an entry in ClinVar:

ClinVar aggregate classification (germline): Likely benign (0 of 4 stars; one submission).

Conditions:
SUPT16H-related disorder. Also called: SUPT16H-related condition.

Allele frequency attached by ClinVar (database versions not stated): ExAC 0.00004; gnomAD exomes 0.00005; gnomAD 0.00009; TOPMed 0.00009; 1000 Genomes Project 0.00020; 1000 Genomes Project 30x 0.00031.
gnomAD v4.1: 93 of 1,613,504 alleles (0.0058%); highest among the groups gnomAD compares: Admixed American, 0.017%; no homozygotes.

Submission:

PreventionGenetics, part of Exact Sciences
Classification: Likely benign for SUPT16H-related condition. Last evaluated: 2019-08-12. Review status: no assertion criteria provided. Collection method: clinical testing. Allele origin: germline.
Comment: This variant is classified as likely benign based on ACMG/AMP sequence variant interpretation guidelines (Richards et al. 2015 PMID: 25741868, with internal and published modifications).

NM_007192.4(SUPT16H):c.1728C>T (p.Gly576=)

Gene: SUPT16H (SPT16 homolog, facilitates chromatin remodeling subunit; minus strand). Cytogenetic location: 14q11.2.
Variant type: single nucleotide variant.
Coding change: c.1728C>T on transcript NM_007192.4 (MANE Select); coding-DNA position 1728, C replaced by T.
Protein change: p.Gly576=; no amino-acid change (glycine 576 retained).
Molecular consequence: synonymous variant.
Genome position (GRCh38, 1-based): chr14:21,362,262, G>A on the plus strand (C>T on the coding strand, the complement: SUPT16H is on the minus strand). VCF-style: chr14-21362262-G-A. GRCh37 (hg19) VCF-style: chr14-21830421-G-A.
Identifiers: ClinVar variation 3035765 (VCV003035765.2), dbSNP rs191591200, ClinGen allele CA7090003.